The following is an entry in ClinVar:

NM_001080449.3(DNA2):c.398G>A (p.Ser133Asn)

Gene: DNA2 (DNA replication helicase/nuclease 2; minus strand). Cytogenetic location: 10q21.3.
Variant type: single nucleotide variant.
Coding change: c.398G>A on transcript NM_001080449.3 (MANE Select); coding-DNA position 398, G replaced by A.
Protein change: p.Ser133Asn; replaces serine 133 with asparagine.
Molecular consequence: missense variant. On other transcripts: non-coding transcript variant (1).
Genome position (GRCh38, 1-based): chr10:68,468,166, C>T on the plus strand (G>A on the coding strand, the complement: DNA2 is on the minus strand). VCF-style: chr10-68468166-C-T. GRCh37 (hg19) VCF-style: chr10-70227923-C-T.
Other names: short protein forms S133N.
Identifiers: ClinVar variation 2113422 (VCV002113422.5), dbSNP rs765275259, ClinGen allele CA5525312.

ClinVar aggregate classification (germline): Uncertain significance. Review status: criteria provided, multiple submitters, no conflicts (2 of 4 stars). 2 submissions from 2 submitters: Uncertain significance (2). Last evaluated 2023-08-31.

Conditions:
Inborn genetic diseases. Identifiers: MedGen C0950123, MeSH D030342.

Allele frequency attached by ClinVar (database versions not stated): gnomAD exomes 0.00001; ExAC 0.00002.
gnomAD v4.1: 5 of 1,610,216 alleles (0.00031%); highest among the groups gnomAD compares: Admixed American, 0.0051%; no homozygotes.

Submissions (2):

Labcorp Genetics (formerly Invitae), Labcorp
Classification: Uncertain significance. Last evaluated: 2023-08-31. Review status: criteria provided, single submitter. Criteria: Invitae Variant Classification Sherloc (09022015). Collection method: clinical testing. Allele origin: germline.
Comment: This sequence change replaces serine, which is neutral and polar, with asparagine, which is neutral and polar, at codon 133 of the DNA2 protein (p.Ser133Asn). In summary, the available evidence is currently insufficient to determine the role of this variant in disease. Therefore, it has been classified as a Variant of Uncertain Significance. Advanced modeling of protein sequence and biophysical properties (such as structural, functional, and spatial information, amino acid conservation, physicochemical variation, residue mobility, and thermodynamic stability) performed at Invitae indicates that this missense variant is expected to disrupt DNA2 protein function. ClinVar contains an entry for this variant (Variation ID: 2113422). This variant has not been reported in the literature in individuals affected with DNA2-related conditions. This variant is present in population databases (rs765275259, gnomAD 0.009%).

Ambry Genetics
Classification: Uncertain significance for Inborn genetic diseases. Last evaluated: 2022-07-12. Review status: criteria provided, single submitter. Criteria: Ambry Variant Classification Scheme 2023. Collection method: clinical testing. Allele origin: germline.